The following is an entry in ClinVar:

NM_182914.3(SYNE2):c.11793+1G>A

Gene: SYNE2 (spectrin repeat containing nuclear envelope protein 2; plus strand). Cytogenetic location: 14q23.2.
Variant type: single nucleotide variant.
Coding change: c.11793+1G>A on transcript NM_182914.3 (MANE Select); the canonical splice donor site of the intron after coding-DNA position 11793, G replaced by A.
Molecular consequence: splice donor variant.
Genome position (GRCh38, 1-based): chr14:64,089,697, G>A. VCF-style: chr14-64089697-G-A. GRCh37 (hg19) VCF-style: chr14-64556415-G-A.
Other names: c.11793+1G>A (NM_015180.6).
Identifiers: ClinVar variation 4766576 (VCV004766576.1).

ClinVar aggregate classification (germline): Uncertain significance (1 of 4 stars; one submission).

Conditions:
Emery-Dreifuss muscular dystrophy 5, autosomal dominant (EDMD5). Also called: EMERY-DREIFUSS MUSCULAR DYSTROPHY 5. Identifiers: Orphanet 261, MedGen C2751805, MONDO:0013072, OMIM 612999.

gnomAD v4.1: 1 of 1,560,986 alleles (0.000064%); highest among the groups gnomAD compares: East Asian, 0.0023%; no homozygotes.

Submission:

Labcorp Genetics (formerly Invitae), Labcorp
Classification: Uncertain significance for Emery-Dreifuss muscular dystrophy 5, autosomal dominant. Last evaluated: 2025-05-27. Review status: criteria provided, single submitter. Criteria: Invitae Variant Classification Sherloc (09022015). Collection method: clinical testing. Allele origin: germline.
Comment: This sequence change affects a donor splice site in intron 59 of the SYNE2 gene. It is expected to disrupt RNA splicing. Variants that disrupt the donor or acceptor splice site typically lead to a loss of protein function (PMID: 16199547), however the current clinical and genetic evidence is not sufficient to establish whether loss-of-function variants in SYNE2 cause disease. This variant is not present in population databases (gnomAD no frequency). This variant has not been reported in the literature in individuals affected with SYNE2-related conditions. Algorithms developed to predict the effect of sequence changes on RNA splicing suggest that this variant may disrupt the consensus splice site. In summary, the available evidence is currently insufficient to determine the role of this variant in disease. Therefore, it has been classified as a Variant of Uncertain Significance.

Literature cited by the submitters: PubMed 16199547.